The following is an entry in ClinVar:

ClinVar aggregate classification (germline): Likely pathogenic (1 of 4 stars; one submission).

Conditions:
Primary familial dilated cardiomyopathy (FDC). Also called: Familial dilated cardiomyopathy; Hypokinetic dilated cardiomyopathy, familial. Identifiers: Orphanet 217607, MedGen C0340427, MONDO:0016333.

Submission:

Women's Health and Genetics/Laboratory Corporation of America, LabCorp
Classification: Likely pathogenic for Primary familial dilated cardiomyopathy. Last evaluated: 2025-02-03. Review status: criteria provided, single submitter. Criteria: LabCorp Variant Classification Summary - May 2015. Collection method: clinical testing. Allele origin: germline.
Comment: Variant summary: TTN c.48579dupA (p.Tyr16194IlefsX8) results in a premature termination codon, predicted to cause a truncation of the encoded protein or absence of the protein due to nonsense mediated decay, which are commonly known mechanisms for disease. Loss of function variants in all TTN bands are strongly associated with a spectrum of autosomal recessive titinopathies when exon expression (proportion spliced in, PSI, 1=complete expression) in skeletal muscle is >0.1 (PMID: 36977548, 39198997, 29598826, 32778822, 29691892, 33449170, 36977548, internal data). In contrast, loss of function variants in all TTN bands are only strongly associated with autosomal dominant TTN-related cardiomyopathies if located in exons constitutively expressed (PSI >0.9) in cardiac muscle, excluding extreme C-terminal exons 359-363 (PMID: 25589632, 31216868, 32964742, 34662387, 27869827, Shetty et al., Nat Cardiovasc Res 2024,, internal data). This variant has a maximum skeletal muscle PSI of 0.964 and a maximum cardiac muscle PSI of 1.000. The variant was absent in 245856 control chromosomes. To our knowledge, no occurrence of c.48579dupA in individuals affected with TTN-related conditions and no experimental evidence demonstrating its impact on protein function have been reported. No submitters have cited clinical-significance assessments for this variant to ClinVar. Based on the evidence outline above, the variant has been classified as Likely Pathogenic for both autosomal dominant and autosomal recessive TTN-related conditions.

NM_001267550.2(TTN):c.56283dup (p.Tyr18762fs)

Genes: TTN (titin; minus strand), TTN-AS1 (TTN antisense RNA 1; plus strand). Cytogenetic location: 2q31.2.
Variant type: Duplication.
Coding change: c.56283dup on transcript NM_001267550.2 (MANE Select); coding-DNA position 56283, one base duplicated (A; older notation c.56283dupA).
Protein change: p.Tyr18762fs; shifts the reading frame from tyrosine 18762.
Molecular consequence: frameshift variant. On other transcripts: non-coding transcript variant (1).
Genome position (GRCh38, 1-based): chr2:178,599,618, T duplicated on the plus strand (A on the coding strand, the reverse complement: TTN is on the minus strand). VCF-style (leftmost placement, unchanged base first): chr2-178599617-A-AT. GRCh37 (hg19) VCF-style: chr2-179464344-A-AT.
Other names: c.51360dup, p.Tyr17121fs (NM_001256850.1); c.29088dup, p.Tyr9697fs (NM_003319.4); c.48579dup, p.Tyr16194fs (NM_133378.4); c.29463dup, p.Tyr9822fs (NM_133432.3); c.29664dup, p.Tyr9889fs (NM_133437.4); c.48579dupA (NM_133378.4); short protein forms Y16194fs, Y17121fs, Y18762fs, Y9697fs, Y9822fs, Y9889fs.
Identifiers: ClinVar variation 3768813 (VCV003768813.1).